The following is an entry in ClinVar:

NM_006267.5(RANBP2):c.1755+4_1755+5del

Gene: RANBP2 (RAN binding protein 2; plus strand). Cytogenetic location: 2q13.
Variant type: Deletion.
Coding change: c.1755+4_1755+5del on transcript NM_006267.5 (MANE Select); bases 4 to 5 of the intron after coding-DNA position 1755, 2 bases deleted (AG; older notation c.1755+4_1755+5delAG).
Molecular consequence: intron variant.
Genome position (GRCh38, 1-based): chr2:108,751,998-108,751,999, AG deleted; deleting any 2 consecutive bases within chr2:108,751,997-108,751,999 gives the same sequence; the c. name uses the placement nearest the transcript's 3' end. VCF-style (leftmost placement, unchanged base first): chr2-108751996-TGA-T. GRCh37 (hg19) VCF-style: chr2-109368452-TGA-T.
Other names: c.1755+4_1755+5del (NM_001415871.1, NM_001415873.1); c.1752+4_1752+5del (NM_001415872.1).
Identifiers: ClinVar variation 4716733 (VCV004716733.1).
Genomic context (GRCh38, chr2:108,751,996, plus strand): 5'-AAAAACATGGCCTTCAACCTGCTCTGCTTGTACATTGGGCAGAATGCCTTCAGAAAACGG[TGA>T]GTTTTAAAGTATAAGCATTTTTAAAGAACATTACCTTAATTTTTTAAAATCATGAACTTT-3'

ClinVar aggregate classification (germline): Uncertain significance (1 of 4 stars; one submission).

Conditions:
Familial acute necrotizing encephalopathy (IIAE3). Also called: ENCEPHALOPATHY, ACUTE, INFECTION-INDUCED, SUSCEPTIBILITY TO, 3; Susceptibility to Acute Necrotizing Encephalopathy 1. Identifiers: Orphanet 88619, MedGen C2675556, MONDO:0011953, OMIM 608033.

Submission:

Labcorp Genetics (formerly Invitae), Labcorp
Classification: Uncertain significance for Familial acute necrotizing encephalopathy. Last evaluated: 2025-04-14. Review status: criteria provided, single submitter. Criteria: Invitae Variant Classification Sherloc (09022015). Collection method: clinical testing. Allele origin: germline.
Comment: This sequence change falls in intron 12 of the RANBP2 gene. It does not directly change the encoded amino acid sequence of the RANBP2 protein. It affects a nucleotide within the consensus splice site. This variant is not present in population databases (gnomAD no frequency). This variant has not been reported in the literature in individuals affected with RANBP2-related conditions. Variants that disrupt the consensus splice site are a relatively common cause of aberrant splicing (PMID: 17576681, 9536098). Algorithms developed to predict the effect of sequence changes on RNA splicing suggest that this variant may disrupt the consensus splice site. In summary, the available evidence is currently insufficient to determine the role of this variant in disease. Therefore, it has been classified as a Variant of Uncertain Significance.

Literature cited by the submitters: PubMed 17576681; PubMed 9536098.